The following is an entry in ClinVar:

NM_004408.4(DNM1):c.1928G>A (p.Gly643Asp)

Gene: DNM1 (dynamin 1; plus strand). Cytogenetic location: 9q34.11.
Variant type: single nucleotide variant.
Coding change: c.1928G>A on transcript NM_004408.4 (MANE Select); coding-DNA position 1928, G replaced by A.
Protein change: p.Gly643Asp; replaces glycine 643 with aspartic acid.
Molecular consequence: missense variant.
Genome position (GRCh38, 1-based): chr9:128,248,605, G>A. VCF-style: chr9-128248605-G-A. GRCh37 (hg19) VCF-style: chr9-131010884-G-A.
Other names: c.1928G>A, p.Gly643Asp (NM_001005336.3, NM_001288737.2, NM_001288738.2 and 2 more transcripts); short protein forms G643D.
Identifiers: ClinVar variation 950073 (VCV000950073.10), dbSNP rs763245663, ClinGen allele CA5258399.

ClinVar aggregate classification (germline): Uncertain significance (1 of 4 stars; one submission).

Conditions:
Developmental and epileptic encephalopathy, 31A. Also called: Epileptic encephalopathy, early infantile, 31; Developmental and epileptic encephalopathy, 31. Identifiers: Orphanet 2382, MedGen C4225357, MONDO:0014598, OMIM 616346.

gnomAD v4.1: 6 of 1,613,978 alleles (0.00037%); highest among the groups gnomAD compares: Non-Finnish European, 0.00051%; no homozygotes.

Submission:

Labcorp Genetics (formerly Invitae), Labcorp
Classification: Uncertain significance for Developmental and epileptic encephalopathy, 31A. Last evaluated: 2019-05-05. Review status: criteria provided, single submitter. Criteria: Invitae Variant Classification Sherloc (09022015). Collection method: clinical testing. Allele origin: germline.
Comment: Algorithms developed to predict the effect of missense changes on protein structure and function (SIFT, PolyPhen-2, Align-GVGD) all suggest that this variant is likely to be tolerated, but these predictions have not been confirmed by published functional studies and their clinical significance is uncertain. This variant has not been reported in the literature in individuals with DNM1-related conditions. This variant is present in population databases (rs763245663, ExAC 0.002%). This sequence change replaces glycine with aspartic acid at codon 643 of the DNM1 protein (p.Gly643Asp). The glycine residue is moderately conserved and there is a moderate physicochemical difference between glycine and aspartic acid. In summary, the available evidence is currently insufficient to determine the role of this variant in disease. Therefore, it has been classified as a Variant of Uncertain Significance.